The following is an entry in ClinVar:

ClinVar aggregate classification (germline): Uncertain significance (1 of 4 stars; one submission).

Submission:

GeneDx
Classification: Uncertain significance. Last evaluated: 2026-02-12. Review status: criteria provided, single submitter. Criteria: GeneDx Variant Classification Process June 2021. Collection method: clinical testing. Allele origin: germline.
Comment: Not observed at significant frequency in large population cohorts (gnomAD); In silico analysis supports that this missense variant has a deleterious effect on protein structure/function; Has not been previously published as pathogenic or benign to our knowledge

NM_005754.3(G3BP1):c.1206C>G (p.Phe402Leu)

Gene: G3BP1 (G3BP stress granule assembly factor 1; plus strand). Cytogenetic location: 5q33.1.
Variant type: single nucleotide variant.
Coding change: c.1206C>G on transcript NM_005754.3 (MANE Select); coding-DNA position 1206, C replaced by G.
Protein change: p.Phe402Leu; replaces phenylalanine 402 with leucine.
Molecular consequence: missense variant.
Genome position (GRCh38, 1-based): chr5:151,803,896, C>G. VCF-style: chr5-151803896-C-G. GRCh37 (hg19) VCF-style: chr5-151183457-C-G.
Other names: c.1206C>G, p.Phe402Leu (NM_198395.2); short protein forms F402L.
Identifiers: ClinVar variation 5008310 (VCV005008310.1).